The following is an entry in ClinVar:

ClinVar aggregate classification (germline): Uncertain significance (1 of 4 stars; one submission).

Submission:

Labcorp Genetics (formerly Invitae), Labcorp
Classification: Uncertain significance. Last evaluated: 2025-10-13. Review status: criteria provided, single submitter. Criteria: Invitae Variant Classification Sherloc (09022015). Collection method: clinical testing. Allele origin: germline.
Comment: This sequence change replaces serine, which is neutral and polar, with asparagine, which is neutral and polar, at codon 488 of the DRP2 protein (p.Ser488Asn). This variant is not present in population databases (gnomAD no frequency). This variant has not been reported in the literature in individuals affected with DRP2-related conditions. Invitae Evidence Modeling of protein sequence and biophysical properties (such as structural, functional, and spatial information, amino acid conservation, physicochemical variation, residue mobility, and thermodynamic stability) indicates that this missense variant is not expected to disrupt DRP2 protein function with a negative predictive value of 80%. In summary, the available evidence is currently insufficient to determine the role of this variant in disease. Therefore, it has been classified as a Variant of Uncertain Significance.

NM_001939.3(DRP2):c.1463G>A (p.Ser488Asn)

Gene: DRP2 (dystrophin related protein 2; plus strand). Cytogenetic location: Xq22.1.
Variant type: single nucleotide variant.
Coding change: c.1463G>A on transcript NM_001939.3 (MANE Select); coding-DNA position 1463, G replaced by A.
Protein change: p.Ser488Asn; replaces serine 488 with asparagine.
Molecular consequence: missense variant.
Genome position (GRCh38, 1-based): chrX:101,248,522, G>A. VCF-style: chrX-101248522-G-A. GRCh37 (hg19) VCF-style: chrX-100503511-G-A.
Other names: c.1229G>A, p.Ser410Asn (NM_001171184.2); short protein forms S410N, S488N.
Identifiers: ClinVar variation 4769476 (VCV004769476.1).